The following is an entry in ClinVar:

NC_000002.12:g.240042236G>C

Gene: PRR21 (proline rich 21; minus strand). Cytogenetic location: 2q37.3.
Variant type: single nucleotide variant.
Genome position: GRCh38 VCF-style: chr2-240042236-G-C. GRCh37 (hg19) VCF-style: chr2-240981653-G-C.
Identifiers: ClinVar variation 2652085 (VCV002652085.24), dbSNP rs1459262165, ClinGen allele CA351279036.
Genomic context (GRCh38, chr2:240,042,236, plus strand): 5'-AGAGGCATGGAGGAAGGGCCGTGGGTGAAGAGGCATGGACGAAGGGCCGTGGGTGAAGAG[G>C]CATGGACGAAGGGCCGTGGGTGAAGAGGCATGGACGAAGGGCCGTGGGTGAAGAGGCATG-3'

ClinVar aggregate classification (germline): Likely benign (1 of 4 stars; one submission).

Submission:

CeGaT Center for Human Genetics Tuebingen
Classification: Likely benign. Last evaluated: 2023-01-01. Review status: criteria provided, single submitter. Criteria: CeGaT Center For Human Genetics Tuebingen Variant Classification Criteria Version 2. Collection method: clinical testing. Allele origin: germline. Affected: yes. Observed: 1 variant allele.
Comment: PRR21: BS2